The following is an entry in ClinVar:

ClinVar aggregate classification (germline): Uncertain significance. Review status: criteria provided, multiple submitters, no conflicts (2 of 4 stars). 5 submissions from 5 submitters: Uncertain significance (4). 1 of the submissions does not count toward it. Last evaluated 2025-08-21.

Conditions:
Hereditary cancer-predisposing syndrome. Also called: Hereditary Cancer Syndrome; Hereditary neoplastic syndrome; Neoplastic Syndromes, Hereditary; Tumor predisposition. Identifiers: Orphanet 140162, MedGen C0027672, MeSH D009386, MONDO:0015356.
Hereditary breast ovarian cancer syndrome. Also called: BRCA1- and BRCA2-Associated Hereditary Breast and Ovarian Cancer; Hereditary breast and ovarian cancer syndrome; Hereditary breast and ovarian cancer syndrome (HBOC); Breast and ovarian cancer; Hereditary breast and/or ovarian cancer syndrome; Hereditary breast and ovarian cancer. Identifiers: Orphanet 145, MedGen C0677776, MeSH D061325, MONDO:0003582. Disease mechanism: loss of function.
Breast-ovarian cancer, familial, susceptibility to, 1 (BROVCA1). Also called: BRCA1 Hereditary Breast and Ovarian Cancer; OVARIAN CANCER, SUSCEPTIBILITY TO. Identifiers: Orphanet 145, MedGen C2676676, MONDO:0011450, OMIM 604370. Disease mechanism: loss of function.

Allele frequency attached by ClinVar (database versions not stated): TOPMed below 0.00001.
gnomAD v4.1: 2 of 1,612,854 alleles (0.00012%); highest among the groups gnomAD compares: South Asian, 0.0022%; no homozygotes.

Submissions (5):

Ambry Genetics
Classification: Uncertain significance for Hereditary cancer-predisposing syndrome. Last evaluated: 2025-08-21. Review status: criteria provided, single submitter. Criteria: Ambry Variant Classification Scheme 2023. Collection method: clinical testing. Allele origin: germline.
Comment: The p.S1377R variant (also known as c.4131C>A), located in coding exon 10 of the BRCA1 gene, results from a C to A substitution at nucleotide position 4131. The serine at codon 1377 is replaced by arginine, an amino acid with dissimilar properties. This alteration has been reported as a germline finding in a patient with ovarian cancer (Cunningham JM et al. Sci Rep, 2014 Feb;4:4026). This amino acid position is not well conserved in available vertebrate species. In addition, the in silico prediction for this alteration is inconclusive. Based on the available evidence, the clinical significance of this variant remains unclear.

Color Diagnostics, LLC DBA Color Health
Classification: Uncertain significance for Hereditary cancer-predisposing syndrome. Last evaluated: 2024-04-09. Review status: criteria provided, single submitter. Criteria: ACMG Guidelines, 2015. Collection method: clinical testing. Allele origin: germline.
Comment: This missense variant replaces serine with arginine at codon 1377 of the BRCA1 protein. Computational prediction is inconclusive regarding the impact of this variant on protein structure and function. To our knowledge, functional studies have not been reported for this variant. This variant has been reported in an individual affected with ovarian cancer (PMID: 24504028) and in a breast cancer case-control meta-analysis in 1/53461 unaffected individuals and absent in 60466 cases (PMID: 33471991; Leiden Open Variation Database DB-ID BRCA1_006276). This variant has been identified in 2/248932 chromosomes in the general population by the Genome Aggregation Database (gnomAD). The available evidence is insufficient to determine the role of this variant in disease conclusively. Therefore, this variant is classified as a Variant of Uncertain Significance.

Blueprint Genetics
Classification: Uncertain significance. Last evaluated: 2023-12-22. Review status: criteria provided, single submitter. Criteria: ACMG Guidelines, 2015. Collection method: clinical testing. Allele origin: germline.

Labcorp Genetics (formerly Invitae), Labcorp
Classification: Uncertain significance for Hereditary breast ovarian cancer syndrome. Last evaluated: 2023-03-07. Review status: criteria provided, single submitter. Criteria: Invitae Variant Classification Sherloc (09022015). Collection method: clinical testing. Allele origin: germline.
Comment: This sequence change replaces serine, which is neutral and polar, with arginine, which is basic and polar, at codon 1377 of the BRCA1 protein (p.Ser1377Arg). The frequency data for this variant in the population databases is considered unreliable, as metrics indicate poor data quality at this position in the gnomAD database. This missense change has been observed in individual(s) with clinical features of BRCA1-related conditions (PMID: 10923033). ClinVar contains an entry for this variant (Variation ID: 55110). Advanced modeling of protein sequence and biophysical properties (such as structural, functional, and spatial information, amino acid conservation, physicochemical variation, residue mobility, and thermodynamic stability) performed at Invitae indicates that this missense variant is not expected to disrupt BRCA1 protein function. In summary, the available evidence is currently insufficient to determine the role of this variant in disease. Therefore, it has been classified as a Variant of Uncertain Significance.

Breast Cancer Information Core (BIC) (BRCA1)
Classification: Uncertain significance for Breast-ovarian cancer, familial 1. Last evaluated: 2002-05-29. Review status: no assertion criteria provided. Collection method: clinical testing. Allele origin: germline. Affected: yes. Observed: 1 variant allele. Not counted in ClinVar's aggregate classification.

Literature cited by the submitters: PubMed 24504028 (cited by Ambry Genetics and Color Diagnostics, LLC DBA Color Health); PubMed 33471991 (cited by Color Diagnostics, LLC DBA Color Health); PubMed 10923033 (cited by Labcorp Genetics (formerly Invitae), Labcorp).

NM_007294.4(BRCA1):c.4131C>A (p.Ser1377Arg)

Gene: BRCA1 (BRCA1 DNA repair associated; minus strand). Cytogenetic location: 17q21.31.
Variant type: single nucleotide variant.
Coding change: c.4131C>A on transcript NM_007294.4 (MANE Select); coding-DNA position 4131, C replaced by A.
Protein change: p.Ser1377Arg; replaces serine 1377 with arginine.
Molecular consequence: missense variant. On other transcripts: non-coding transcript variant (1).
Genome position (GRCh38, 1-based): chr17:43,090,998, G>T on the plus strand (C>A on the coding strand, the complement: BRCA1 is on the minus strand). VCF-style: chr17-43090998-G-T. GRCh37 (hg19) VCF-style: chr17-41243015-G-T.
Other names: c.4131C>A, p.Ser1377Arg (NM_001407596.1, NM_001407597.1, NM_001407598.1 and 30 more transcripts); c.4128C>A, p.Ser1376Arg (NM_001407610.1, NM_001407611.1, NM_001407612.1 and 22 more transcripts); c.4008C>A, p.Ser1336Arg (NM_001407664.1, NM_001407665.1, NM_001407666.1 and 19 more transcripts); c.4005C>A, p.Ser1335Arg (NM_001407670.1, NM_001407671.1, NM_001407672.1 and 11 more transcripts); c.3990C>A, p.Ser1330Arg (NM_001407692.1, NM_001407942.1, NM_001407944.1 and 29 more transcripts); c.3987C>A, p.Ser1329Arg (NM_001407943.1, NM_001407747.1, NM_001407748.1 and 20 more transcripts); c.3798C>A, p.Ser1266Arg (NM_001407946.1, NM_001407947.1, NM_001407948.1 and 6 more transcripts); c.3918C>A, p.Ser1306Arg (NM_001407853.1, NM_001407894.1, NM_001407895.1 and 9 more transcripts); and 41 more; short protein forms S1377R, S274R, S1330R, S1081R, S1209R, S1249R, S1250R, S1306R.
Identifiers: ClinVar variation 55110 (VCV000055110.22), dbSNP rs80356871, ClinGen allele CA002651.